The following is an entry in ClinVar:

NM_003072.5(SMARCA4):c.3395C>T (p.Ala1132Val)

Gene: SMARCA4 (SWI/SNF related BAF chromatin remodeling complex subunit ATPase 4; plus strand). Cytogenetic location: 19p13.2.
Variant type: single nucleotide variant.
Coding change: c.3395C>T on transcript NM_003072.5 (MANE Select); coding-DNA position 3395, C replaced by T.
Protein change: p.Ala1132Val; replaces alanine 1132 with valine.
Molecular consequence: missense variant. On other transcripts: non-coding transcript variant (1).
Genome position (GRCh38, 1-based): chr19:11,030,742, C>T. VCF-style: chr19-11030742-C-T. GRCh37 (hg19) VCF-style: chr19-11141418-C-T.
Other names: c.3395C>T, p.Ala1132Val (NM_001128844.3, NM_001128845.2, NM_001128846.2 and 5 more transcripts); c.3395C>T (NM_001128849.2); short protein forms A1132V.
Identifiers: ClinVar variation 484873 (VCV000484873.15), dbSNP rs1555783136, ClinGen allele CA404062535.

ClinVar aggregate classification (germline): Uncertain significance. Review status: criteria provided, multiple submitters, no conflicts (2 of 4 stars). 3 submissions from 3 submitters: Uncertain significance (3). Last evaluated 2025-04-27.

Conditions:
Otosclerosis 12. Identifiers: MedGen C5935610, MONDO:0968980, OMIM 620792.
Rhabdoid tumor predisposition syndrome 2 (RTPS2). Identifiers: Orphanet 231108, Orphanet 69077, MedGen C2750074, MONDO:0013224, OMIM 613325.
Intellectual disability, autosomal dominant 16 (CSS4). Also called: COFFIN-SIRIS SYNDROME 4. Identifiers: Orphanet 1465, MedGen C3553249, MONDO:0013821, OMIM 614609.
Hereditary cancer-predisposing syndrome. Also called: Neoplastic Syndromes, Hereditary; Tumor predisposition; Hereditary Cancer Syndrome; Hereditary neoplastic syndrome. Identifiers: Orphanet 140162, MedGen C0027672, MeSH D009386, MONDO:0015356.

Submissions (3):

Labcorp Genetics (formerly Invitae), Labcorp
Classification: Uncertain significance for Rhabdoid tumor predisposition syndrome 2. Last evaluated: 2025-04-27. Review status: criteria provided, single submitter. Criteria: Invitae Variant Classification Sherloc (09022015). Collection method: clinical testing. Allele origin: germline.
Comment: This sequence change replaces alanine, which is neutral and non-polar, with valine, which is neutral and non-polar, at codon 1132 of the SMARCA4 protein (p.Ala1132Val). This variant is not present in population databases (gnomAD no frequency). This variant has not been reported in the literature in individuals affected with SMARCA4-related conditions. ClinVar contains an entry for this variant (Variation ID: 484873). Invitae Evidence Modeling of protein sequence and biophysical properties (such as structural, functional, and spatial information, amino acid conservation, physicochemical variation, residue mobility, and thermodynamic stability) indicates that this missense variant is expected to disrupt SMARCA4 protein function with a positive predictive value of 95%. In summary, the available evidence is currently insufficient to determine the role of this variant in disease. Therefore, it has been classified as a Variant of Uncertain Significance.

Ambry Genetics
Classification: Uncertain significance for Hereditary cancer-predisposing syndrome. Last evaluated: 2024-08-22. Review status: criteria provided, single submitter. Criteria: Ambry Variant Classification Scheme 2023. Collection method: clinical testing. Allele origin: germline.
Comment: The p.A1132V variant (also known as c.3395C>T), located in coding exon 24 of the SMARCA4 gene, results from a C to T substitution at nucleotide position 3395. The alanine at codon 1132 is replaced by valine, an amino acid with similar properties. This variant has been detected in multiple individuals with no reported features of Coffin-Siris Syndrome (Ambry internal data). This amino acid position is well conserved in available vertebrate species. In addition, the in silico prediction for this alteration is inconclusive. Based on the supporting evidence, the association of this alteration with rhabdoid tumor predisposition syndrome is unknown; however, the association of this alteration with Coffin-Siris syndrome is unlikely.

Fulgent Genetics
Classification: Uncertain significance for Rhabdoid tumor predisposition syndrome 2; Intellectual disability, autosomal dominant 16; Otosclerosis 12. Last evaluated: 2024-02-14. Review status: criteria provided, single submitter. Criteria: ACMG Guidelines, 2015. Collection method: clinical testing. Allele origin: germline.